The following is an entry in ClinVar:

ClinVar aggregate classification (germline): Likely benign. Review status: criteria provided, multiple submitters, no conflicts (2 of 4 stars). 2 submissions from 2 submitters: Likely benign (2). Last evaluated 2026-07-28.

Conditions:
IFT172-related disorder. Also called: IFT172-related condition; IFT172-related disorders.
Short-rib thoracic dysplasia 10 with or without polydactyly (SRTD10). Identifiers: Orphanet 474, MedGen C3810175, MONDO:0014284, OMIM 615630.
Retinitis pigmentosa 71 (RP71). Identifiers: Orphanet 791, MedGen C4225342, MONDO:0014618, OMIM 616394.

gnomAD v4.1: 3 of 1,614,238 alleles (0.00019%); highest among the groups gnomAD compares: Admixed American, 0.005%; no homozygotes.

Submissions (2):

PreventionGenetics, part of Exact Sciences
Classification: Likely benign for IFT172-related condition. Last evaluated: 2026-07-28. Review status: criteria provided, single submitter. Criteria: ACMG Guidelines, 2015. Collection method: clinical testing. Allele origin: germline.
Comment: This variant is classified as likely benign based on ACMG/AMP sequence variant interpretation guidelines (Richards et al. 2015 PMID: 25741868, with internal and published modifications).

Labcorp Genetics (formerly Invitae), Labcorp
Classification: Likely benign for Retinitis pigmentosa 71; Short-rib thoracic dysplasia 10 with or without polydactyly. Last evaluated: 2025-04-17. Review status: criteria provided, single submitter. Criteria: Invitae Variant Classification Sherloc (09022015). Collection method: clinical testing. Allele origin: germline.

NM_015662.3(IFT172):c.2703T>C (p.Tyr901=)

Genes: IFT172 (intraflagellar transport 172; minus strand), LOC126806174 (CDK7 strongly-dependent group 2 enhancer GRCh37_chr2:27681686-27682885; plus strand). Cytogenetic location: 2p23.3.
Variant type: single nucleotide variant.
Coding change: c.2703T>C on transcript NM_015662.3 (MANE Select); coding-DNA position 2703, T replaced by C.
Protein change: p.Tyr901=; no amino-acid change (tyrosine 901 retained).
Molecular consequence: synonymous variant.
Genome position (GRCh38, 1-based): chr2:27,459,462, A>G on the plus strand (T>C on the coding strand, the complement: IFT172 is on the minus strand). VCF-style: chr2-27459462-A-G. GRCh37 (hg19) VCF-style: chr2-27682329-A-G.
Other names: c.2637T>C, p.Tyr879= (NM_001410739.1); c.2703T>C (NM_015662.2).
Identifiers: ClinVar variation 3752244 (VCV003752244.3).